The following is an entry in ClinVar:

ClinVar aggregate classification (germline): Likely benign (0 of 4 stars; one submission).

Conditions:
TMEM132D-related disorder. Also called: TMEM132D-related condition.

Allele frequency attached by ClinVar (database versions not stated): ExAC 0.00001; gnomAD 0.00002; TOPMed 0.00002; 1000 Genomes Project 30x 0.00016; 1000 Genomes Project 0.00020.
gnomAD v4.1: 11 of 1,613,920 alleles (0.00068%); highest among the groups gnomAD compares: African/African-American, 0.0053%; no homozygotes.

Submission:

PreventionGenetics, part of Exact Sciences
Classification: Likely benign for TMEM132D-related condition. Last evaluated: 2019-09-05. Review status: no assertion criteria provided. Collection method: clinical testing. Allele origin: germline.
Comment: This variant is classified as likely benign based on ACMG/AMP sequence variant interpretation guidelines (Richards et al. 2015 PMID: 25741868, with internal and published modifications).

NM_133448.3(TMEM132D):c.1584C>T (p.Ile528=)

Gene: TMEM132D (transmembrane protein 132D; minus strand). Cytogenetic location: 12q24.33.
Variant type: single nucleotide variant.
Coding change: c.1584C>T on transcript NM_133448.3 (MANE Select); coding-DNA position 1584, C replaced by T.
Protein change: p.Ile528=; no amino-acid change (isoleucine 528 retained).
Molecular consequence: synonymous variant.
Genome position (GRCh38, 1-based): chr12:129,084,562, G>A on the plus strand (C>T on the coding strand, the complement: TMEM132D is on the minus strand). VCF-style: chr12-129084562-G-A. GRCh37 (hg19) VCF-style: chr12-129569107-G-A.
Identifiers: ClinVar variation 3052931 (VCV003052931.2), dbSNP rs565021234, ClinGen allele CA6876023.
Genomic context (GRCh38, chr12:129,084,562, plus strand): 5'-GCTGGAGACGATGGGCACTCTCCAACCCTTGATCTGATTGAGCTCGGTGTCGGAGACCTC[G>A]ATCTGCAGCGGAAGCCGGGGCACCCACACCGTCATCTCCAGGGGGCTGCTCAGGTGCTGG-3'
Protein context (NP_597705.2, residues 518-538): TVWVPRLPLQ[Ile528=]EVSDTELNQI